The following is an entry in ClinVar:

NM_001466.4(FZD2):c.132C>T (p.Ile44=)

Gene: FZD2 (frizzled class receptor 2; plus strand). Cytogenetic location: 17q21.31.
Variant type: single nucleotide variant.
Coding change: c.132C>T on transcript NM_001466.4 (MANE Select); coding-DNA position 132, C replaced by T.
Protein change: p.Ile44=; no amino-acid change (isoleucine 44 retained).
Molecular consequence: synonymous variant.
Genome position (GRCh38, 1-based): chr17:44,557,820, C>T. VCF-style: chr17-44557820-C-T. GRCh37 (hg19) VCF-style: chr17-42635188-C-T.
Identifiers: ClinVar variation 4750329 (VCV004750329.1).

ClinVar aggregate classification (germline): Uncertain significance (1 of 4 stars; one submission).

gnomAD v4.1: 4 of 1,614,026 alleles (0.00025%); highest among the groups gnomAD compares: Non-Finnish European, 0.00034%; no homozygotes.

Submission:

Labcorp Genetics (formerly Invitae), Labcorp
Classification: Uncertain significance. Last evaluated: 2025-12-01. Review status: criteria provided, single submitter. Criteria: Invitae Variant Classification Sherloc (09022015). Collection method: clinical testing. Allele origin: germline.
Comment: This sequence change affects codon 44 of the FZD2 mRNA. It is a 'silent' change, meaning that it does not change the encoded amino acid sequence of the FZD2 protein. This variant is present in population databases (no rsID available, gnomAD 0.002%). This variant has not been reported in the literature in individuals affected with FZD2-related conditions. In summary, the available evidence is currently insufficient to determine the role of this variant in disease. Therefore, it has been classified as a Variant of Uncertain Significance.